The following is an entry in ClinVar:

ClinVar aggregate classification (germline): Uncertain significance (1 of 4 stars; one submission).

Conditions:
Inborn genetic diseases. Identifiers: MedGen C0950123, MeSH D030342.

gnomAD v4.1: 1 of 1,613,858 alleles (0.000062%); highest among the groups gnomAD compares: Non-Finnish European, 0.000085%; no homozygotes.

Submission:

Ambry Genetics
Classification: Uncertain significance for Inborn genetic diseases. Last evaluated: 2025-10-14. Review status: criteria provided, single submitter. Criteria: Ambry Variant Classification Scheme 2023. Collection method: clinical testing. Allele origin: germline.
Comment: The c.2156A>G (p.H719R) alteration is located in exon 16 (coding exon 16) of the SLC4A11 gene. This alteration results from a A to G substitution at nucleotide position 2156, causing the histidine (H) at amino acid position 719 to be replaced by an arginine (R). Based on data from gnomAD, the G allele has an overall frequency of <0.001% (1/250798) total alleles studied. The highest observed frequency was 0.001% (1/113236) of European (non-Finnish) alleles. This amino acid position is well conserved in available vertebrate species. This alteration is predicted to be deleterious by in silico analysis. Based on insufficient or conflicting evidence, the clinical significance of this alteration remains unclear.

NM_001174089.2(SLC4A11):c.2108A>G (p.His703Arg)

Gene: SLC4A11 (solute carrier family 4 member 11; minus strand). Cytogenetic location: 20p13.
Variant type: single nucleotide variant.
Coding change: c.2108A>G on transcript NM_001174089.2 (MANE Select); coding-DNA position 2108, A replaced by G.
Protein change: p.His703Arg; replaces histidine 703 with arginine.
Molecular consequence: missense variant. On other transcripts: non-coding transcript variant (3).
Genome position (GRCh38, 1-based): chr20:3,228,922, T>C on the plus strand (A>G on the coding strand, the complement: SLC4A11 is on the minus strand). VCF-style: chr20-3228922-T-C. GRCh37 (hg19) VCF-style: chr20-3209568-T-C.
Other names: c.2237A>G, p.His746Arg (NM_001174090.2); c.1994A>G, p.His665Arg (NM_001363745.2); c.2051A>G, p.His684Arg (NM_001400277.1, NM_001400278.1, NM_001400279.1); c.2123A>G, p.His708Arg (NM_001400280.1); c.2156A>G, p.His719Arg (NM_032034.4); short protein forms H665R, H684R, H719R, H703R, H708R, H746R.
Identifiers: ClinVar variation 4168572 (VCV004168572.2).